The following is an entry in ClinVar:

NM_001330260.2(SCN8A):c.4052G>A (p.Gly1351Glu)

Gene: SCN8A (sodium voltage-gated channel alpha subunit 8; plus strand). Cytogenetic location: 12q13.13.
Variant type: single nucleotide variant.
Coding change: c.4052G>A on transcript NM_001330260.2 (MANE Select); coding-DNA position 4052, G replaced by A.
Protein change: p.Gly1351Glu; replaces glycine 1351 with glutamic acid.
Molecular consequence: missense variant.
Genome position (GRCh38, 1-based): chr12:51,786,651, G>A. VCF-style: chr12-51786651-G-A. GRCh37 (hg19) VCF-style: chr12-52180435-G-A.
Other names: c.3929G>A, p.Gly1310Glu (NM_001177984.3, NM_001369788.1); c.4052G>A, p.Gly1351Glu (NM_014191.4); short protein forms G1351E, G1310E.
Identifiers: ClinVar variation 3635202 (VCV003635202.2).

ClinVar aggregate classification (germline): Uncertain significance (1 of 4 stars; one submission).

Conditions:
Early-infantile DEE. Also called: Early infantile epileptic encephalopathy; Ohtahara syndrome; Early infantile epileptic encephalopathy with suppression bursts. Identifiers: Orphanet 1934, MedGen C0393706, MONDO:0800491.

Submission:

Labcorp Genetics (formerly Invitae), Labcorp
Classification: Uncertain significance for Early-infantile DEE. Last evaluated: 2024-10-24. Review status: criteria provided, single submitter. Criteria: Invitae Variant Classification Sherloc (09022015). Collection method: clinical testing. Allele origin: germline.
Comment: This sequence change replaces glycine, which is neutral and non-polar, with glutamic acid, which is acidic and polar, at codon 1351 of the SCN8A protein (p.Gly1351Glu). This variant is not present in population databases (gnomAD no frequency). This variant has not been reported in the literature in individuals affected with SCN8A-related conditions. Invitae Evidence Modeling of protein sequence and biophysical properties (such as structural, functional, and spatial information, amino acid conservation, physicochemical variation, residue mobility, and thermodynamic stability) indicates that this missense variant is expected to disrupt SCN8A protein function with a positive predictive value of 95%. In summary, the available evidence is currently insufficient to determine the role of this variant in disease. Therefore, it has been classified as a Variant of Uncertain Significance.